The following is an entry in ClinVar:

NM_017780.4(CHD7):c.4698T>G (p.Ser1566Arg)

Gene: CHD7 (chromodomain helicase DNA binding protein 7; plus strand). Cytogenetic location: 8q12.2.
Variant type: single nucleotide variant.
Coding change: c.4698T>G on transcript NM_017780.4 (MANE Select); coding-DNA position 4698, T replaced by G.
Protein change: p.Ser1566Arg; replaces serine 1566 with arginine.
Molecular consequence: missense variant. On other transcripts: intron variant (1).
Genome position (GRCh38, 1-based): chr8:60,841,900, T>G. VCF-style: chr8-60841900-T-G. GRCh37 (hg19) VCF-style: chr8-61754459-T-G.
Other names: c.1717-20329T>G (NM_001316690.1); short protein forms S1566R.
Identifiers: ClinVar variation 2741097 (VCV002741097.4), dbSNP rs748779011, ClinGen allele CA4760181.

ClinVar aggregate classification (germline): Uncertain significance. Review status: criteria provided, multiple submitters, no conflicts (2 of 4 stars). 2 submissions from 2 submitters: Uncertain significance (2). Last evaluated 2024-09-29.

Conditions:
Dystonia, early-onset, and/or spastic paraplegia. Identifiers: MedGen C5562051, MONDO:0859215, OMIM 619681.
CHARGE syndrome (CHARGE). Also called: Hittner Hirsch Kreh syndrome; CHARGE ASSOCIATION--COLOBOMA, HEART ANOMALY, CHOANAL ATRESIA, RETARDATION, GENITAL AND EAR ANOMALIES; Coloboma, heart anomaly, choanal atresia, retardation, genital and ear anomalies; CHARGE association; Hall-Hittner syndrome. Identifiers: Orphanet 138, MedGen C0265354, MONDO:0008965.

Allele frequency attached by ClinVar (database versions not stated): ExAC 0.00001.
gnomAD v4.1: 34 of 1,610,812 alleles (0.0021%); highest among the groups gnomAD compares: Non-Finnish European, 0.0029%; no homozygotes.

Submissions (2):

Labcorp Genetics (formerly Invitae), Labcorp
Classification: Uncertain significance for CHARGE syndrome. Last evaluated: 2024-09-29. Review status: criteria provided, single submitter. Criteria: Invitae Variant Classification Sherloc (09022015). Collection method: clinical testing. Allele origin: germline.
Comment: This sequence change replaces serine, which is neutral and polar, with arginine, which is basic and polar, at codon 1566 of the CHD7 protein (p.Ser1566Arg). This variant is present in population databases (rs748779011, gnomAD 0.002%). This variant has not been reported in the literature in individuals affected with CHD7-related conditions. Invitae Evidence Modeling of protein sequence and biophysical properties (such as structural, functional, and spatial information, amino acid conservation, physicochemical variation, residue mobility, and thermodynamic stability) indicates that this missense variant is not expected to disrupt CHD7 protein function with a negative predictive value of 80%. In summary, the available evidence is currently insufficient to determine the role of this variant in disease. Therefore, it has been classified as a Variant of Uncertain Significance.

Cambridge Genomics Laboratory, East Genomic Laboratory Hub, NHS Genomic Medicine Service
Classification: Uncertain significance for Dystonia, early-onset, and/or spastic paraplegia. Last evaluated: 2019-05-16. Review status: criteria provided, single submitter. Criteria: ACGS Best Practice Guidelines for Variant Classification in Rare Disease 2020. Collection method: clinical testing. Allele origin: germline. Affected: yes. Observed: 1 variant allele.